The following is an entry in ClinVar:

NM_002691.4(POLD1):c.3116del (p.Lys1039fs)

Gene: POLD1 (DNA polymerase delta 1, catalytic subunit; plus strand). Cytogenetic location: 19q13.33.
Variant type: Deletion.
Coding change: c.3116del on transcript NM_002691.4 (MANE Select); coding-DNA position 3116, one base deleted (A; older notation c.3116delA).
Protein change: p.Lys1039fs; shifts the reading frame from lysine 1039.
Molecular consequence: frameshift variant. On other transcripts: non-coding transcript variant (1).
Genome position (GRCh38, 1-based): chr19:50,417,093, A deleted; the last of 2 consecutive A bases (chr19:50,417,092-50,417,093); deleting either gives the same sequence. VCF-style (leftmost placement, unchanged base first): chr19-50417091-GA-G. GRCh37 (hg19) VCF-style: chr19-50920348-GA-G.
Other names: c.3116del, p.Lys1039fs (NM_001256849.1); c.3194del, p.Lys1065fs (NM_001308632.1); c.3116delA (NM_002691.2); short protein forms K1065fs, K1039fs.
Identifiers: ClinVar variation 941122 (VCV000941122.10), dbSNP rs2039329423, ClinGen allele CA1139666568.
Genomic context (GRCh38, chr19:50,417,091, plus strand): 5'-CCGCCTCCCCACAGGAGCCGTGTGTGAGTTCTGCCAGCCCCGGGAGTCTGAGCTGTATCA[GA>G]AGGAGGTGAGAGGGCCGGGAGGTGAGGAGGGGCCAGGTGGGGAGGCGGGGGCGCCCTGCT-3'

ClinVar aggregate classification (germline): Uncertain significance. Review status: criteria provided, multiple submitters, no conflicts (2 of 4 stars). 2 submissions from 2 submitters: Uncertain significance (2). Last evaluated 2025-03-11.

Conditions:
Hereditary cancer-predisposing syndrome. Also called: Hereditary neoplastic syndrome; Tumor predisposition; Neoplastic Syndromes, Hereditary; Hereditary Cancer Syndrome. Identifiers: Orphanet 140162, MedGen C0027672, MeSH D009386, MONDO:0015356.
POLD1-related polyposis and colorectal cancer syndrome (CRCS10). Also called: Colorectal cancer 10; COLORECTAL CANCER, SUSCEPTIBILITY TO, ON CHROMOSOME 19q; Colorectal cancer, susceptibility to, 10. Identifiers: Orphanet 220460, MedGen C2675481, MONDO:0012953, OMIM 612591.

Submissions (2):

Ambry Genetics
Classification: Uncertain significance for Hereditary cancer-predisposing syndrome. Last evaluated: 2025-03-11. Review status: criteria provided, single submitter. Criteria: Ambry Variant Classification Scheme 2023. Collection method: clinical testing. Allele origin: germline.
Comment: The c.3116delA variant, located in coding exon 24 of the POLD1 gene, results from a deletion of one nucleotide at nucleotide position 3116, causing a translational frameshift with a predicted alternate stop codon (p.K1039Rfs*6). This alteration is expected to result in protein truncation or nonsense-mediated mRNA decay. However, loss of function of POLD1 has not been established as a mechanism of disease. Based on the available evidence, the clinical significance of this alteration remains unclear.

Labcorp Genetics (formerly Invitae), Labcorp
Classification: Uncertain significance for POLD1-related polyposis and colorectal cancer syndrome. Last evaluated: 2022-09-26. Review status: criteria provided, single submitter. Criteria: Invitae Variant Classification Sherloc (09022015). Collection method: clinical testing. Allele origin: germline.
Comment: In summary, the available evidence is currently insufficient to determine the role of this variant in disease. Therefore, it has been classified as a Variant of Uncertain Significance. This sequence change creates a premature translational stop signal (p.Lys1039Argfs*6) in the POLD1 gene. Missense variants that disrupt the 3'-5' exonuclease (proof-reading) activity of the POLD1 protein are associated with PPAP (polymerase proofreading–associated polyposis) (PMID: 23263490, 23447401). However, loss-of-function variants that result in an absent or severely disrupted POLD1 protein, and missense variants outside the exonuclease domain, are unlikely to be associated with PPAP. This variant is not present in population databases (gnomAD no frequency). This variant has not been reported in the literature in individuals affected with POLD1-related conditions. ClinVar contains an entry for this variant (Variation ID: 941122).

Literature cited by the submitters: PubMed 23263490 (cited by Labcorp Genetics (formerly Invitae), Labcorp); PubMed 23447401 (cited by Labcorp Genetics (formerly Invitae), Labcorp).